The following continues an entry in ClinVar:

NM_000059.4(BRCA2):c.7684T>C (p.Phe2562Leu)

Gene: BRCA2. ClinVar aggregate classification (germline): Uncertain significance. Uncertain significance (1).

Submissions 14 to 17 of 17:

PreventionGenetics, part of Exact Sciences
Classification: Uncertain significance for BRCA2-related condition. Last evaluated: 2024-08-20. Review status: no assertion criteria provided. Collection method: clinical testing. Allele origin: germline. Not counted in ClinVar's aggregate classification.
Comment: The BRCA2 c.7684T>C variant is predicted to result in the amino acid substitution p.Phe2562Leu. This variant has been reported in an individual with hereditary breast and/or ovarian cancer (Azzollini et al. 2016. PubMed ID: 27062684). It has also been reported along with a second pathogenic variant in a lymphoblastoid cell line in an individual with Fanconi anemia; however confirmation of phase of the two variants was not determined (Stoepker et al. 2014. PubMed ID: 25583207). Functional studies report conflicting results in that some indicate a detrimental effect on protein function and viability (Biswas et al. 2020. PubMed ID: 33293522; Caleca et al. 2019. PubMed ID: 30696104), where other studies suggest a neutral or intermediate effect on protein function (Hart et al. 2018. PubMed ID: 29884841; Karchin et al. 2008. PubMed ID: 19043619). This variant is not present in a large population database, indicating this is rare. It has conflicting classifications in ClinVar, ranging from likely benign to uncertain. Although we suspect that this variant may be pathogenic, at this time, the clinical significance of this variant is uncertain due to the absence of conclusive functional and genetic evidence.

Counsyl
Classification: Uncertain significance for Breast-ovarian cancer, familial, susceptibility to, 2. Last evaluated: 2018-04-09. Review status: no assertion criteria provided. Collection method: clinical testing. Allele origin: unknown. Not counted in ClinVar's aggregate classification.

Sharing Clinical Reports Project (SCRP)
Classification: Likely benign for Breast-ovarian cancer, familial 2. Last evaluated: 2010-09-27. Review status: no assertion criteria provided. Collection method: clinical testing. Allele origin: germline. Not counted in ClinVar's aggregate classification.

Breast Cancer Information Core (BIC) (BRCA2)
Classification: Uncertain significance for Breast-ovarian cancer, familial 2. Last evaluated: 2004-11-25. Review status: no assertion criteria provided. Collection method: clinical testing. Allele origin: germline. Affected: yes. Observed: 3 variant alleles. Not counted in ClinVar's aggregate classification.

Literature cited by the submitters: PubMed 29884841 (cited by 3 submitters); PubMed 27062684 (cited by 7 submitters); PubMed 29394989 (cited by 8 submitters); PubMed 30696104 (cited by 5 submitters); PubMed 33293522 (cited by Women's Health and Genetics/Laboratory Corporation of America, LabCorp and Color Diagnostics, LLC DBA Color Health); PubMed 25583207 (cited by 7 submitters); PubMed 31853058 (cited by Color Diagnostics, LLC DBA Color Health); PubMed 39779848 (cited by Color Diagnostics, LLC DBA Color Health and Ambry Genetics); PubMed 39779857 (cited by Color Diagnostics, LLC DBA Color Health and Ambry Genetics); 29884841 (cited by Cancer Variant Interpretation Group UK, Institute of Cancer Research, London); PubMed 19043619 (cited by Quest Diagnostics Nichols Institute San Juan Capistrano).